The following is an entry in ClinVar:

ClinVar aggregate classification (germline): Uncertain significance. Review status: criteria provided, multiple submitters, no conflicts (2 of 4 stars). 2 submissions from 2 submitters: Uncertain significance (2). Last evaluated 2026-04-06.

Conditions:
Inborn genetic diseases. Identifiers: MedGen C0950123, MeSH D030342.

Allele frequency attached by ClinVar (database versions not stated): gnomAD exomes below 0.00001 and 0.00001.
gnomAD v4.1: 3 of 1,613,664 alleles (0.00019%); highest among the groups gnomAD compares: Non-Finnish European, 0.00017%; no homozygotes.

Submissions (2):

Ambry Genetics
Classification: Uncertain significance for Inborn genetic diseases. Last evaluated: 2026-04-06. Review status: criteria provided, single submitter. Criteria: Ambry Variant Classification Scheme 2023. Collection method: clinical testing. Allele origin: germline.

Labcorp Genetics (formerly Invitae), Labcorp
Classification: Uncertain significance. Last evaluated: 2024-02-24. Review status: criteria provided, single submitter. Criteria: Invitae Variant Classification Sherloc (09022015). Collection method: clinical testing. Allele origin: germline.
Comment: This sequence change replaces tyrosine, which is neutral and polar, with histidine, which is basic and polar, at codon 318 of the IMPDH1 protein (p.Tyr318His). This variant is present in population databases (no rsID available, gnomAD 0.0009%). This variant has not been reported in the literature in individuals affected with IMPDH1-related conditions. ClinVar contains an entry for this variant (Variation ID: 1513705). An algorithm developed to predict the effect of missense changes on protein structure and function (PolyPhen-2) suggests that this variant is likely to be tolerated. In summary, the available evidence is currently insufficient to determine the role of this variant in disease. Therefore, it has been classified as a Variant of Uncertain Significance.

NM_000883.4(IMPDH1):c.952T>C (p.Tyr318His)

Gene: IMPDH1 (inosine monophosphate dehydrogenase 1; minus strand). Cytogenetic location: 7q32.1.
Variant type: single nucleotide variant.
Coding change: c.952T>C on transcript NM_000883.4 (MANE Select); coding-DNA position 952, T replaced by C.
Protein change: p.Tyr318His; replaces tyrosine 318 with histidine.
Molecular consequence: missense variant.
Genome position (GRCh38, 1-based): chr7:128,398,536, A>G on the plus strand (T>C on the coding strand, the complement: IMPDH1 is on the minus strand). VCF-style: chr7-128398536-A-G. GRCh37 (hg19) VCF-style: chr7-128038590-A-G.
Other names: c.952T>C (NM_000883.3); c.922T>C, p.Tyr308His (NM_001102605.2); c.697T>C, p.Tyr233His (NM_001142573.2); c.682T>C, p.Tyr228His (NM_001142574.2); c.622T>C, p.Tyr208His (NM_001142575.2); c.853T>C, p.Tyr285His (NM_001142576.2); c.745T>C, p.Tyr249His (NM_001304521.2); c.844T>C, p.Tyr282His (NM_183243.3); short protein forms Y282H, Y208H, Y228H, Y285H, Y249H, Y308H, Y233H, Y318H.
Identifiers: ClinVar variation 1513705 (VCV001513705.10), dbSNP rs1224428162, ClinGen allele CA369169194.
Genomic context (GRCh38, chr7:128,398,536, plus strand): 5'-GGGTGCCCACAGCTGCCCCACAGAGCAGCTGCTTCTGGGAATCCTTGGAGGCCAGAGGGT[A>G]GTCTCGGTTCTTCTTCAGGTCGGTGCGGGCGATGATGGCCACCAGCTCATCGCAATCATT-3'
Protein context (NP_000874.2, residues 308-328): ARTDLKKNRD[Tyr318His]PLASKDSQKQ